The following is an entry in ClinVar:

ClinVar aggregate classification (germline): Uncertain significance (1 of 4 stars; one submission).

Allele frequency attached by ClinVar (database versions not stated): gnomAD exomes below 0.00001.
gnomAD v4.1: 1 of 1,613,566 alleles (0.000062%); highest among the groups gnomAD compares: Admixed American, 0.0017%; no homozygotes.

Submission:

Labcorp Genetics (formerly Invitae), Labcorp
Classification: Uncertain significance. Last evaluated: 2025-02-17. Review status: criteria provided, single submitter. Criteria: Invitae Variant Classification Sherloc (09022015). Collection method: clinical testing. Allele origin: germline.
Comment: This sequence change falls in intron 16 of the ACAN gene. It does not directly change the encoded amino acid sequence of the ACAN protein. This variant is not present in population databases (gnomAD no frequency). This variant has not been reported in the literature in individuals affected with ACAN-related conditions. ClinVar contains an entry for this variant (Variation ID: 2861898). Algorithms developed to predict the effect of sequence changes on RNA splicing suggest that this variant may disrupt the consensus splice site. In summary, the available evidence is currently insufficient to determine the role of this variant in disease. Therefore, it has been classified as a Variant of Uncertain Significance.

NM_001369268.1(ACAN):c.7448-5C>G

Gene: ACAN (aggrecan; plus strand). Cytogenetic location: 15q26.1.
Variant type: single nucleotide variant.
Coding change: c.7448-5C>G on transcript NM_001369268.1 (MANE Select); 5 bases into the intron before coding-DNA position 7448, C replaced by G.
Molecular consequence: intron variant.
Genome position (GRCh38, 1-based): chr15:88,873,837, C>G. VCF-style: chr15-88873837-C-G. GRCh37 (hg19) VCF-style: chr15-89417068-C-G.
Other names: c.7334-5C>G (NM_013227.4, NM_001411097.1); c.7220-5C>G (NM_001411096.1); c.7220-568C>G (NM_001135.4).
Identifiers: ClinVar variation 2861898 (VCV002861898.3), dbSNP rs1567195329, ClinGen allele CA2194368045.
Genomic context (GRCh38, chr15:88,873,837, plus strand): 5'-ACAACCAGCATAGGTCATCCCAGGAGACCCTATGAGACCCTTTATAAAGGGTGTTTGCCC[C>G]TCAGTGGCCTGCGGAGAGCCCCCTGTGGTGGAGCATGCCAGGACCTTCGGGCAGAAGAAG-3'